The following is an entry in ClinVar:

ClinVar aggregate classification (germline): Uncertain significance (1 of 4 stars; one submission).

gnomAD v4.1: 6 of 1,614,188 alleles (0.00037%); highest among the groups gnomAD compares: Non-Finnish European, 0.00042%; no homozygotes.

Submission:

Labcorp Genetics (formerly Invitae), Labcorp
Classification: Uncertain significance. Last evaluated: 2024-10-29. Review status: criteria provided, single submitter. Criteria: Invitae Variant Classification Sherloc (09022015). Collection method: clinical testing. Allele origin: germline.
Comment: This sequence change affects codon 83 of the GPR45 mRNA. It is a 'silent' change, meaning that it does not change the encoded amino acid sequence of the GPR45 protein. This variant is present in population databases (no rsID available, gnomAD 0.0009%). This variant has not been reported in the literature in individuals affected with GPR45-related conditions. In summary, the available evidence is currently insufficient to determine the role of this variant in disease. Therefore, it has been classified as a Variant of Uncertain Significance.

NM_007227.3(GPR45):c.249G>A (p.Leu83=)

Gene: GPR45 (G protein-coupled receptor 45; plus strand). Cytogenetic location: 2q12.1.
Variant type: single nucleotide variant.
Coding change: c.249G>A on transcript NM_007227.3 (MANE Select); coding-DNA position 249, G replaced by A.
Protein change: p.Leu83=; no amino-acid change (leucine 83 retained).
Molecular consequence: synonymous variant.
Genome position (GRCh38, 1-based): chr2:105,242,107, G>A. VCF-style: chr2-105242107-G-A. GRCh37 (hg19) VCF-style: chr2-105858564-G-A.
Identifiers: ClinVar variation 3700223 (VCV003700223.2).